The following is an entry in ClinVar:

ClinVar aggregate classification (germline): Likely benign (1 of 4 stars; one submission).

Conditions:
Familial benign pemphigus (HHD). Identifiers: Orphanet 2841, MedGen C0085106, MONDO:0008218, OMIM 169600.

Allele frequency attached by ClinVar (database versions not stated): ExAC 0.00002; gnomAD exomes 0.00002 and 0.00003; TOPMed 0.00004; gnomAD 0.00005.
gnomAD v4.1: 49 of 1,610,800 alleles (0.003%); highest among the groups gnomAD compares: Admixed American, 0.0067%; no homozygotes.

Submission:

Illumina Laboratory Services, Illumina
Classification: Likely benign for Familial benign pemphigus. Last evaluated: 2018-01-12. Review status: criteria provided, single submitter. Criteria: ICSL Variant Classification Criteria 13 December 2019. Collection method: clinical testing. Allele origin: germline.
Comment: This variant was observed in the ICSL laboratory as part of a predisposition screen in an ostensibly healthy population. It had not been previously curated by ICSL or reported in the Human Gene Mutation Database (HGMD: prior to June 1st, 2018), and was therefore a candidate for classification through an automated scoring system. Utilizing variant allele frequency, disease prevalence and penetrance estimates, and inheritance mode, an automated score was calculated to assess if this variant is too frequent to cause the disease. Based on the score and internal cut-off values, a variant classified as likely benign is not then subjected to further curation. The score for this variant resulted in a classification of likely benign for this disease.

NM_001378687.1(ATP2C1):c.135T>C (p.Gly45=)

Gene: ATP2C1 (ATPase secretory pathway Ca2+ transporting 1; plus strand). Cytogenetic location: 3q22.1.
Variant type: single nucleotide variant.
Coding change: c.135T>C on transcript NM_001378687.1 (MANE Select); coding-DNA position 135, T replaced by C.
Protein change: p.Gly45=; no amino-acid change (glycine 45 retained).
Molecular consequence: synonymous variant. On other transcripts: intron variant (1).
Genome position (GRCh38, 1-based): chr3:130,932,039, T>C. VCF-style: chr3-130932039-T-C. GRCh37 (hg19) VCF-style: chr3-130650883-T-C.
Other names: c.135T>C, p.Gly45= (NM_001001485.3, NM_001001486.2, NM_001001487.2 and 5 more transcripts); c.237T>C, p.Gly79= (NM_001199180.2, NM_001199181.3, NM_001378511.1); c.87T>C, p.Gly29= (NM_001199183.2, NM_001199184.3, NM_001378514.1); c.219+1513T>C (NM_001199182.2).
Identifiers: ClinVar variation 343319 (VCV000343319.5), dbSNP rs753216597, ClinGen allele CA2614735.